The following is an entry in ClinVar:

ClinVar aggregate classification (germline): Uncertain significance. Review status: criteria provided, multiple submitters, no conflicts (2 of 4 stars). 3 submissions from 3 submitters: Uncertain significance (3). Last evaluated 2026-03-06.

Conditions:
TECTA-related disorder. Also called: TECTA-related condition.
Inborn genetic diseases. Identifiers: MedGen C0950123, MeSH D030342.

Allele frequency attached by ClinVar (database versions not stated): gnomAD exomes below 0.00001; TOPMed below 0.00001.
gnomAD v4.1: 2 of 1,613,976 alleles (0.00012%); highest among the groups gnomAD compares: Non-Finnish European, 0.00017%; no homozygotes.

Submissions (3):

PreventionGenetics, part of Exact Sciences
Classification: Uncertain significance for TECTA-related condition. Last evaluated: 2026-03-06. Review status: criteria provided, single submitter. Criteria: ACMG Guidelines, 2015. Collection method: clinical testing. Allele origin: germline.
Comment: The TECTA c.2813C>A variant is predicted to result in the amino acid substitution p.Thr938Asn. To our knowledge, this variant has not been reported in the literature. This variant is reported in 0.00088% of alleles in individuals of European (Non-Finnish) descent in gnomAD. At this time, the clinical significance of this variant is uncertain due to the absence of conclusive functional and genetic evidence.

Ambry Genetics
Classification: Uncertain significance for Inborn genetic diseases. Last evaluated: 2025-08-28. Review status: criteria provided, single submitter. Criteria: Ambry Variant Classification Scheme 2023. Collection method: clinical testing. Allele origin: germline.

Labcorp Genetics (formerly Invitae), Labcorp
Classification: Uncertain significance. Last evaluated: 2021-07-22. Review status: criteria provided, single submitter. Criteria: Invitae Variant Classification Sherloc (09022015). Collection method: clinical testing. Allele origin: germline.
Comment: This sequence change replaces threonine with asparagine at codon 938 of the TECTA protein (p.Thr938Asn). The threonine residue is highly conserved and there is a small physicochemical difference between threonine and asparagine. This variant is not present in population databases (ExAC no frequency). This variant has not been reported in the literature in individuals affected with TECTA-related conditions. Algorithms developed to predict the effect of missense changes on protein structure and function (SIFT, PolyPhen-2, Align-GVGD) all suggest that this variant is likely to be tolerated. In summary, the available evidence is currently insufficient to determine the role of this variant in disease. Therefore, it has been classified as a Variant of Uncertain Significance.

NM_005422.4(TECTA):c.2813C>A (p.Thr938Asn)

Genes: TBCEL-TECTA (TBCEL-TECTA readthrough; plus strand), TECTA (tectorin alpha; plus strand), LOC126861365 (P300/CBP strongly-dependent group 1 enhancer GRCh37_chr11:121000154-121001353; plus strand). Cytogenetic location: 11q23.3.
Variant type: single nucleotide variant.
Coding change: c.2813C>A on transcript NM_005422.4 (MANE Select); coding-DNA position 2813, C replaced by A.
Protein change: p.Thr938Asn; replaces threonine 938 with asparagine.
Molecular consequence: missense variant.
Genome position (GRCh38, 1-based): chr11:121,130,083, C>A. VCF-style: chr11-121130083-C-A. GRCh37 (hg19) VCF-style: chr11-121000792-C-A.
Other names: c.2813C>A (NM_005422.2); c.3770C>A, p.Thr1257Asn (NM_001378761.1); short protein forms T1257N, T938N.
Identifiers: ClinVar variation 1506958 (VCV001506958.10), dbSNP rs944766516, ClinGen allele CA229816197.